The following is an entry in ClinVar:

NM_012388.4(BLOC1S6):c.503C>T (p.Pro168Leu)

Gene: BLOC1S6 (biogenesis of lysosomal organelles complex 1 subunit 6; plus strand). Cytogenetic location: 15q21.1.
Variant type: single nucleotide variant.
Coding change: c.503C>T on transcript NM_012388.4 (MANE Select); coding-DNA position 503, C replaced by T.
Protein change: p.Pro168Leu; replaces proline 168 with leucine.
Molecular consequence: missense variant. On other transcripts: 3 prime UTR variant (1), non-coding transcript variant (10).
Genome position (GRCh38, 1-based): chr15:45,606,498, C>T. VCF-style: chr15-45606498-C-T. GRCh37 (hg19) VCF-style: chr15-45898696-C-T.
Other names: c.518C>T, p.Pro173Leu (NM_001311255.1); c.*154C>T (NM_001311256.1); short protein forms P168L, P173L.
Identifiers: ClinVar variation 1905917 (VCV001905917.5), dbSNP rs2542300348, ClinGen allele CA392301203.

ClinVar aggregate classification (germline): Uncertain significance (1 of 4 stars; one submission).

Conditions:
Hermansky-Pudlak syndrome 9 (HPS9). Identifiers: Orphanet 280663, Orphanet 79430, MedGen C3280026, MONDO:0013606, OMIM 614171.

Submission:

Labcorp Genetics (formerly Invitae), Labcorp
Classification: Uncertain significance for Hermansky-Pudlak syndrome 9. Last evaluated: 2022-02-22. Review status: criteria provided, single submitter. Criteria: Invitae Variant Classification Sherloc (09022015). Collection method: clinical testing. Allele origin: germline.
Comment: This sequence change replaces proline, which is neutral and non-polar, with leucine, which is neutral and non-polar, at codon 168 of the BLOC1S6 protein (p.Pro168Leu). In summary, the available evidence is currently insufficient to determine the role of this variant in disease. Therefore, it has been classified as a Variant of Uncertain Significance. Algorithms developed to predict the effect of missense changes on protein structure and function output the following: SIFT: "Tolerated"; PolyPhen-2: "Probably Damaging"; Align-GVGD: "Class C0". The leucine amino acid residue is found in multiple mammalian species, which suggests that this missense change does not adversely affect protein function. This variant has not been reported in the literature in individuals affected with BLOC1S6-related conditions. This variant is not present in population databases (gnomAD no frequency).